The following is an entry in ClinVar:

NM_000384.3(APOB):c.4964G>A (p.Ser1655Asn)

Gene: APOB (apolipoprotein B; minus strand). Cytogenetic location: 2p24.1.
Variant type: single nucleotide variant.
Coding change: c.4964G>A on transcript NM_000384.3 (MANE Select); coding-DNA position 4964, G replaced by A.
Protein change: p.Ser1655Asn; replaces serine 1655 with asparagine.
Molecular consequence: missense variant.
Genome position (GRCh38, 1-based): chr2:21,011,904, C>T on the plus strand (G>A on the coding strand, the complement: APOB is on the minus strand). VCF-style: chr2-21011904-C-T. GRCh37 (hg19) VCF-style: chr2-21234776-C-T.
Other names: c.4964G>A (NM_000384.2); short protein forms S1655N.
Identifiers: ClinVar variation 2924592 (VCV002924592.5), dbSNP rs747075344, ClinGen allele CA061416.
Genomic context (GRCh38, chr2:21,011,904, plus strand): 5'-AGCTCTGCATTCAGCTCATTCTCCAGCACCAGGAGACTACACTTCAAGTTGGTCGTTGCA[C>T]TGGTAGATATTCCATCTTGGCCAATCCTTAGTGTCGCCTTGTGAGCACCACTATTAATTT-3'
Protein context (NP_000375.3, residues 1645-1665): LRIGQDGIST[Ser1655Asn]ATTNLKCSLL

ClinVar aggregate classification (germline): Uncertain significance. Review status: criteria provided, multiple submitters, no conflicts (2 of 4 stars). 2 submissions from 2 submitters: Uncertain significance (2). Last evaluated 2026-09-11.

Conditions:
Familial hypobetalipoproteinemia 1. Also called: APOB-Related Familial Hypobetalipoproteinemia; Hypobetalipoproteinemia, normotriglyceridemic; Acanthocytosis with hypobetalipoproteinemia. Identifiers: MedGen C4551990, MONDO:0014252, OMIM 615558.
Hypercholesterolemia, autosomal dominant, type B (FHCL2). Also called: Familial hypercholesterolemia 2; Hyperlipoproteinemia Type IIb; Familial Hypercholesterolemia Type B; APOB-Related Familial Hypercholesterolemia, Autosomal Dominant; APOLIPOPROTEIN B-100, FAMILIAL DEFECTIVE; APOLIPOPROTEIN B-100, FAMILIAL LIGAND-DEFECTIVE. Identifiers: MedGen C1704417, MONDO:0007751, OMIM 144010.
Cardiovascular phenotype. Identifiers: MedGen CN230736.

Allele frequency attached by ClinVar (database versions not stated): gnomAD exomes below 0.00001; ExAC 0.00001.
gnomAD v4.1: 2 of 1,613,970 alleles (0.00012%); highest among the groups gnomAD compares: Non-Finnish European, 0.00017%; no homozygotes.

Submissions (2):

Ambry Genetics
Classification: Uncertain significance for Cardiovascular phenotype. Last evaluated: 2026-09-11. Review status: criteria provided, single submitter. Criteria: Ambry Variant Classification Scheme 2023. Collection method: clinical testing. Allele origin: germline.
Comment: The p.S1655N variant (also known as c.4964G>A), located in coding exon 26 of the APOB gene, results from a G to A substitution at nucleotide position 4964. The serine at codon 1655 is replaced by asparagine, an amino acid with highly similar properties. This amino acid position is conserved. In addition, this alteration is predicted to be tolerated by in silico analysis. Based on the available evidence, the clinical significance of this variant remains unclear.

Labcorp Genetics (formerly Invitae), Labcorp
Classification: Uncertain significance for Familial hypobetalipoproteinemia 1; Hypercholesterolemia, autosomal dominant, type B. Last evaluated: 2025-10-02. Review status: criteria provided, single submitter. Criteria: Invitae Variant Classification Sherloc (09022015). Collection method: clinical testing. Allele origin: germline.
Comment: This sequence change replaces serine, which is neutral and polar, with asparagine, which is neutral and polar, at codon 1655 of the APOB protein (p.Ser1655Asn). This variant is present in population databases (rs747075344, gnomAD 0.0009%). This variant has not been reported in the literature in individuals affected with APOB-related conditions. ClinVar contains an entry for this variant (Variation ID: 2924592). Invitae Evidence Modeling of protein sequence and biophysical properties (such as structural, functional, and spatial information, amino acid conservation, physicochemical variation, residue mobility, and thermodynamic stability) indicates that this missense variant is not expected to disrupt APOB protein function with a negative predictive value of 95%. In summary, the available evidence is currently insufficient to determine the role of this variant in disease. Therefore, it has been classified as a Variant of Uncertain Significance.